The following is an entry in ClinVar:

NM_001110556.2(FLNA):c.6503-9A>G

Gene: FLNA (filamin A; minus strand). Cytogenetic location: Xq28.
Variant type: single nucleotide variant.
Coding change: c.6503-9A>G on transcript NM_001110556.2 (MANE Select); 9 bases into the intron before coding-DNA position 6503, A replaced by G.
Molecular consequence: intron variant.
Genome position (GRCh38, 1-based): chrX:154,352,456, T>C on the plus strand (A>G on the coding strand, the complement: FLNA is on the minus strand). VCF-style: chrX-154352456-T-C. GRCh37 (hg19) VCF-style: chrX-153580824-T-C.
Other names: p.?; c.6479-9A>G (NM_001456.4).
Identifiers: ClinVar variation 465013 (VCV000465013.25), dbSNP rs781919390, ClinGen allele CA10560072.

ClinVar aggregate classification (germline): Benign/Likely benign. Review status: criteria provided, multiple submitters, no conflicts (2 of 4 stars). 8 submissions from 8 submitters: Benign (1); Likely benign (4). 3 of the submissions do not count toward it. Last evaluated 2026-07-01.

Conditions:
Melnick-Needles syndrome (MNS). Also called: MELNICK-NEEDLES OSTEODYSPLASTY; Melnick-Needles Syndrome (FLNA-MNS); OSTEODYSPLASTY OF MELNICK AND NEEDLES. Identifiers: Orphanet 2484, MedGen C0025237, MONDO:0010650, OMIM 309350.
Oto-palato-digital syndrome, type II (OPD2). Also called: Otopalatodigital Syndrome, Type II; FACIOPALATOOSSEOUS SYNDROME; Otopalatodigital Syndrome Type 2 (FLNA-OPD2); OPD II SYNDROME. Identifiers: Orphanet 669, Orphanet 90652, MedGen C1844696, MONDO:0010571, OMIM 304120.
Heterotopia, periventricular, X-linked dominant (PVNH1). Also called: X-linked periventricular heterotopia; PERIVENTRICULAR NODULAR HETEROTOPIA 4; HETEROTOPIA, PERIVENTRICULAR, 1; PERIVENTRICULAR NODULAR HETEROTOPIA 1. Identifiers: Orphanet 2149, Orphanet 82004, MedGen C1848213, MONDO:0010233, OMIM 300049.
Frontometaphyseal dysplasia (FMD1). Identifiers: Orphanet 1826, MedGen C0265293, MONDO:0015942.

Allele frequency attached by ClinVar (database versions not stated): gnomAD 0.00002 and 0.00005; gnomAD exomes 0.00014 and 0.00025; TOPMed 0.00016; ExAC 0.00027; 1000 Genomes Project 30x 0.00042.
gnomAD v4.1: 167 of 1,210,193 alleles (0.014%); highest among the groups gnomAD compares: Middle Eastern, 0.092%; no homozygotes.

Submissions (8):

CeGaT Center for Human Genetics Tuebingen
Classification: Likely benign. Last evaluated: 2026-07-01. Review status: criteria provided, single submitter. Criteria: CeGaT Center For Human Genetics Tuebingen Variant Classification Criteria Version 2. Collection method: clinical testing. Allele origin: germline. Affected: yes. Observed: 2 variant alleles.
Comment: FLNA: BS2

Labcorp Genetics (formerly Invitae), Labcorp
Classification: Benign for Oto-palato-digital syndrome, type II; Heterotopia, periventricular, X-linked dominant; Frontometaphyseal dysplasia; Melnick-Needles syndrome. Last evaluated: 2026-01-06. Review status: criteria provided, single submitter. Criteria: Invitae Variant Classification Sherloc (09022015). Collection method: clinical testing. Allele origin: germline.

Mayo Clinic Laboratories, Mayo Clinic
Classification: Likely benign. Last evaluated: 2025-08-12. Review status: criteria provided, single submitter. Criteria: ACMG Guidelines, 2015. Collection method: clinical testing. Allele origin: germline. Observed: 4 variant alleles.
Comment: BP4, BP7

Blueprint Genetics
Classification: Likely benign. Last evaluated: 2024-09-16. Review status: criteria provided, single submitter. Criteria: ACMG Guidelines, 2015. Collection method: clinical testing. Allele origin: germline.

GeneDx
Classification: Likely benign. Last evaluated: 2020-08-24. Review status: criteria provided, single submitter. Criteria: GeneDx Variant Classification Process June 2021. Collection method: clinical testing. Allele origin: germline. Affected: yes.

Clinical Genetics DNA and cytogenetics Diagnostics Lab, Erasmus MC, Erasmus Medical Center
Classification: Likely benign. Review status: no assertion criteria provided. Collection method: clinical testing. Allele origin: germline. Affected: yes. Study: VKGL Data-share Consensus. Not counted in ClinVar's aggregate classification.

Genome Diagnostics Laboratory, Amsterdam University Medical Center
Classification: Likely benign. Review status: no assertion criteria provided. Collection method: clinical testing. Allele origin: germline. Affected: yes. Study: VKGL Data-share Consensus. Not counted in ClinVar's aggregate classification.

Genome Diagnostics Laboratory, University Medical Center Utrecht
Classification: Likely benign. Review status: no assertion criteria provided. Collection method: clinical testing. Allele origin: germline. Affected: yes. Study: VKGL Data-share Consensus. Not counted in ClinVar's aggregate classification.